The following is an entry in ClinVar:

NM_000082.4(ERCC8):c.*237T>C

Gene: ERCC8 (ERCC excision repair 8, CSA ubiquitin ligase complex subunit; minus strand). Cytogenetic location: 5q12.1.
Variant type: single nucleotide variant.
Coding change: c.*237T>C on transcript NM_000082.4 (MANE Select); 237 bases downstream of the stop codon, T replaced by C.
Molecular consequence: 3 prime UTR variant.
Genome position (GRCh38, 1-based): chr5:60,874,378, A>G on the plus strand (T>C on the coding strand, the complement: ERCC8 is on the minus strand). VCF-style: chr5-60874378-A-G. GRCh37 (hg19) VCF-style: chr5-60170205-A-G.
Other names: c.*237T>C (NM_001007233.3, NM_001290285.2).
Identifiers: ClinVar variation 354010 (VCV000354010.8), dbSNP rs4647153, ClinGen allele CA10620670.

ClinVar aggregate classification (germline): Benign/Likely benign. Review status: criteria provided, multiple submitters, no conflicts (2 of 4 stars). 3 submissions from 3 submitters: Benign (1); Likely benign (2). Last evaluated 2018-07-06.

Conditions:
Cockayne syndrome type 1. Also called: Cockayne syndrome type I; Cockayne syndrome classical; Cockayne syndrome classic form. Identifiers: Orphanet 191, Orphanet 90321, MedGen C0751039, MONDO:0019569, OMIM 216400.

Allele frequency attached by ClinVar (database versions not stated): gnomAD exomes 0.01143; gnomAD 0.01170 and 0.01207; TOPMed 0.01174; 1000 Genomes Project 30x 0.01515; 1000 Genomes Project 0.01538.
gnomAD v4.1: 5,722 of 495,818 alleles (1.2%); highest among the groups gnomAD compares: South Asian, 2.7%; 53 homozygotes.

Submissions (3):

GeneDx
Classification: Likely benign. Last evaluated: 2018-07-06. Review status: criteria provided, single submitter. Criteria: GeneDx Variant Classification Process June 2021. Collection method: clinical testing. Allele origin: germline. Affected: yes.

Illumina Laboratory Services, Illumina
Classification: Benign for Cockayne syndrome type 1. Last evaluated: 2018-01-12. Review status: criteria provided, single submitter. Criteria: ICSL Variant Classification Criteria 13 December 2019. Collection method: clinical testing. Allele origin: germline.
Comment: This variant was observed in the ICSL laboratory as part of a predisposition screen in an ostensibly healthy population. It had not been previously curated by ICSL or reported in the Human Gene Mutation Database (HGMD: prior to June 1st, 2018), and was therefore a candidate for classification through an automated scoring system. Utilizing variant allele frequency, disease prevalence and penetrance estimates, and inheritance mode, an automated score was calculated to assess if this variant is too frequent to cause the disease. Based on the score and internal cut-off values, a variant classified as benign is not then subjected to further curation. The score for this variant resulted in a classification of benign for this disease.

Breakthrough Genomics
Classification: Likely benign. Review status: criteria provided, single submitter. Criteria: ACMG Guidelines, 2015. Collection method: not provided. Allele origin: germline. Inheritance: Autosomal recessive inheritance. Affected: yes.